The following is an entry in ClinVar:

ClinVar aggregate classification (germline): Uncertain significance (1 of 4 stars; one submission).

Conditions:
Inborn genetic diseases. Identifiers: MedGen C0950123, MeSH D030342.

gnomAD v4.1: 1 of 1,613,888 alleles (0.000062%); highest among the groups gnomAD compares: African/African-American, 0.0013%; no homozygotes.

Submission:

Ambry Genetics
Classification: Uncertain significance for Inborn genetic diseases. Last evaluated: 2025-02-25. Review status: criteria provided, single submitter. Criteria: Ambry Variant Classification Scheme 2023. Collection method: clinical testing. Allele origin: germline.
Comment: The p.D683N variant (also known as c.2047G>A), located in coding exon 8 of the MECOM gene, results from a G to A substitution at nucleotide position 2047. The aspartic acid at codon 683 is replaced by asparagine, an amino acid with highly similar properties. This amino acid position is conserved. In addition, this alteration is predicted to be tolerated by in silico analysis. Based on the available evidence, the clinical significance of this variant remains unclear.

NM_004991.4(MECOM):c.2047G>A (p.Asp683Asn)

Gene: MECOM (MDS1 and EVI1 complex locus; minus strand). Cytogenetic location: 3q26.2.
Variant type: single nucleotide variant.
Coding change: c.2047G>A on transcript NM_004991.4 (MANE Select); coding-DNA position 2047, G replaced by A.
Protein change: p.Asp683Asn; replaces aspartic acid 683 with asparagine.
Molecular consequence: missense variant. On other transcripts: intron variant (2).
Genome position (GRCh38, 1-based): chr3:169,115,825, C>T on the plus strand (G>A on the coding strand, the complement: MECOM is on the minus strand). VCF-style: chr3-169115825-C-T. GRCh37 (hg19) VCF-style: chr3-168833613-C-T.
Other names: c.1678G>A, p.Asp560Asn (NM_001105077.4); c.1483G>A, p.Asp495Asn (NM_001105078.4, NM_001164000.2, NM_001205194.2 and 4 more transcripts); c.1486G>A, p.Asp496Asn (NM_001163999.2, NM_001366467.2, NM_001366468.2 and 1 more transcripts); c.2047G>A, p.Asp683Asn (NM_001366466.2); c.1133-58G>A (NM_001366473.2); c.569-58G>A (NM_001366474.2); short protein forms D496N, D683N, D495N, D560N.
Identifiers: ClinVar variation 3871852 (VCV003871852.1).